The following is an entry in ClinVar:

NM_017763.6(RNF43):c.2107C>A (p.Pro703Thr)

Gene: RNF43 (ring finger protein 43; minus strand). Cytogenetic location: 17q22.
Variant type: single nucleotide variant.
Coding change: c.2107C>A on transcript NM_017763.6 (MANE Select); coding-DNA position 2107, C replaced by A.
Protein change: p.Pro703Thr; replaces proline 703 with threonine.
Molecular consequence: missense variant.
Genome position (GRCh38, 1-based): chr17:58,357,669, G>T on the plus strand (C>A on the coding strand, the complement: RNF43 is on the minus strand). VCF-style: chr17-58357669-G-T. GRCh37 (hg19) VCF-style: chr17-56435030-G-T.
Other names: c.2107C>A, p.Pro703Thr (NM_001305544.3); c.1726C>A, p.Pro576Thr (NM_001305545.2); short protein forms P576T, P703T.
Identifiers: ClinVar variation 3359864 (VCV003359864.1).

ClinVar aggregate classification (germline): Uncertain significance (1 of 4 stars; one submission).

Submission:

GeneDx
Classification: Uncertain significance. Last evaluated: 2023-06-21. Review status: criteria provided, single submitter. Criteria: GeneDx Variant Classification Process June 2021. Collection method: clinical testing. Allele origin: germline. Affected: yes.
Comment: Not observed at significant frequency in large population cohorts (gnomAD); In silico analysis supports that this missense variant does not alter protein structure/function; Has not been previously published as pathogenic or benign to our knowledge; Variants in candidate genes are classified as variants of uncertain significance in accordance with ACMG guidelines (Richards et al., 2015)